The following is an entry in ClinVar:

ClinVar aggregate classification (germline): Conflicting classifications of pathogenicity. Review status: criteria provided, conflicting classifications (1 of 4 stars). 3 submissions from 3 submitters: Uncertain significance (1); Likely benign (2). Last evaluated 2025-12-22.

Conditions:
Autosomal recessive severe congenital neutropenia due to G6PC3 deficiency. Also called: G6PC3 Deficiency; NEUTROPENIA, SEVERE CONGENITAL, 4, AUTOSOMAL RECESSIVE. Identifiers: Orphanet 331176, MedGen C2751630, MONDO:0012930, OMIM 612541.
Inborn genetic diseases. Identifiers: MedGen C0950123, MeSH D030342.

Allele frequency attached by ClinVar (database versions not stated): TOPMed 0.00011; gnomAD 0.00007 and 0.00011; gnomAD exomes 0.00007 and 0.00009; ESP Exome Variant Server 0.00015; ExAC 0.00007.
gnomAD v4.1: 142 of 1,611,456 alleles (0.0088%); highest among the groups gnomAD compares: Admixed American, 0.053%; no homozygotes.

Submissions (3):

Labcorp Genetics (formerly Invitae), Labcorp
Classification: Likely benign for Autosomal recessive severe congenital neutropenia due to G6PC3 deficiency. Last evaluated: 2025-12-22. Review status: criteria provided, single submitter. Criteria: Invitae Variant Classification Sherloc (09022015). Collection method: clinical testing. Allele origin: germline.

Ambry Genetics
Classification: Likely benign for Inborn genetic diseases. Last evaluated: 2024-11-21. Review status: criteria provided, single submitter. Criteria: Ambry Variant Classification Scheme 2023. Collection method: clinical testing. Allele origin: germline.

Baylor Genetics
Classification: Uncertain significance for Autosomal recessive severe congenital neutropenia due to G6PC3 deficiency. Last evaluated: 2019-06-19. Review status: criteria provided, single submitter. Criteria: ACMG Guidelines, 2015. Collection method: clinical testing. Allele origin: unknown. Affected: yes.
Comment: This variant was determined to be of uncertain significance according to ACMG Guidelines, 2015 [PMID:25741868].

NM_138387.4(G6PC3):c.687C>T (p.Ser229=)

Gene: G6PC3 (glucose-6-phosphatase catalytic subunit 3; plus strand). Cytogenetic location: 17q21.31.
Variant type: single nucleotide variant.
Coding change: c.687C>T on transcript NM_138387.4 (MANE Select); coding-DNA position 687, C replaced by T.
Protein change: p.Ser229=; no amino-acid change (serine 229 retained).
Molecular consequence: synonymous variant. On other transcripts: missense variant (1).
Genome position (GRCh38, 1-based): chr17:44,075,689, C>T. VCF-style: chr17-44075689-C-T. GRCh37 (hg19) VCF-style: chr17-42153057-C-T.
Other names: c.568C>T, p.Pro190Ser (NM_001319945.2); c.342C>T, p.Ser114= (NM_001384165.1, NM_001384166.1, NM_001384167.1 and 1 more transcripts); short protein forms P190S.
Identifiers: ClinVar variation 734136 (VCV000734136.14), dbSNP rs377343204, ClinGen allele CA8596129.